The following is an entry in ClinVar:

ClinVar aggregate classification (germline): Likely benign (1 of 4 stars; one submission).

Conditions:
CFAP57-related disorder. Also called: CFAP57-related condition.

gnomAD v4.1: 49 of 1,614,006 alleles (0.003%); highest among the groups gnomAD compares: Admixed American, 0.068%; no homozygotes.

Submission:

PreventionGenetics, part of Exact Sciences
Classification: Likely benign for CFAP57-related condition. Last evaluated: 2025-01-27. Review status: criteria provided, single submitter. Criteria: ACMG Guidelines, 2015. Collection method: clinical testing. Allele origin: germline.
Comment: This variant is classified as likely benign based on ACMG/AMP sequence variant interpretation guidelines (Richards et al. 2015 PMID: 25741868, with internal and published modifications).

NM_001378189.1(CFAP57):c.1485C>T (p.His495=)

Genes: CFAP57 (cilia and flagella associated protein 57; plus strand), EBNA1BP2 (EBNA1 binding protein 2; minus strand), LOC105378685 (uncharacterized LOC105378685; minus strand). Cytogenetic location: 1p34.2.
Variant type: single nucleotide variant.
Coding change: c.1485C>T on transcript NM_001378189.1 (MANE Select); coding-DNA position 1485, C replaced by T.
Protein change: p.His495=; no amino-acid change (histidine 495 retained).
Molecular consequence: synonymous variant.
Genome position (GRCh38, 1-based): chr1:43,199,446, C>T. VCF-style: chr1-43199446-C-T. GRCh37 (hg19) VCF-style: chr1-43665117-C-T.
Other names: c.1485C>T, p.His495= (NM_001167965.1, NM_001195831.3, NM_152498.3).
Identifiers: ClinVar variation 4984460 (VCV004984460.1).